The following is an entry in ClinVar:

NM_001379029.1(CERT1):c.386G>A (p.Arg129Gln)

Gene: CERT1 (ceramide transporter 1; minus strand). Cytogenetic location: 5q13.3.
Variant type: single nucleotide variant.
Coding change: c.386G>A on transcript NM_001379029.1 (MANE Select); coding-DNA position 386, G replaced by A.
Protein change: p.Arg129Gln; replaces arginine 129 with glutamine.
Molecular consequence: missense variant.
Genome position (GRCh38, 1-based): chr5:75,426,441, C>T on the plus strand (G>A on the coding strand, the complement: CERT1 is on the minus strand). VCF-style: chr5-75426441-C-T. GRCh37 (hg19) VCF-style: chr5-74722266-C-T.
Other names: c.770G>A, p.Arg257Gln (NM_001130105.1); c.386G>A, p.Arg129Gln (NM_001379002.1, NM_001379003.1, NM_001379004.1 and 2 more transcripts); short protein forms R129Q, R257Q.
Identifiers: ClinVar variation 2580720 (VCV002580720.1), dbSNP rs916090030, ClinGen allele CA120924632.

ClinVar aggregate classification (germline): Uncertain significance (1 of 4 stars; one submission).

Allele frequency attached by ClinVar (database versions not stated): gnomAD exomes below 0.00001.

Submission:

GeneDx
Classification: Uncertain significance. Last evaluated: 2023-03-25. Review status: criteria provided, single submitter. Criteria: GeneDx Variant Classification Process June 2021. Collection method: clinical testing. Allele origin: germline. Affected: yes.
Comment: In silico analysis supports that this missense variant has a deleterious effect on protein structure/function; Has not been previously published as pathogenic or benign to our knowledge